The following is an entry in ClinVar:

ClinVar aggregate classification (germline): Uncertain significance (1 of 4 stars; one submission).

Conditions:
Severe combined immunodeficiency due to DNA-PKcs deficiency. Also called: IMMUNODEFICIENCY 26 WITH NEUROLOGIC ABNORMALITIES; Immunodeficiency 26 with or without neurologic abnormalities. Identifiers: Orphanet 317425, MedGen C4014833, MONDO:0014423, OMIM 615966.

Allele frequency attached by ClinVar (database versions not stated): gnomAD below 0.00001 and 0.00001; gnomAD exomes below 0.00001; ExAC 0.00001; TOPMed 0.00001.
gnomAD v4.1: 7 of 1,613,680 alleles (0.00043%); highest among the groups gnomAD compares: Middle Eastern, 0.066%; no homozygotes.

Submission:

Labcorp Genetics (formerly Invitae), Labcorp
Classification: Uncertain significance for Severe combined immunodeficiency due to DNA-PKcs deficiency. Last evaluated: 2023-07-17. Review status: criteria provided, single submitter. Criteria: Invitae Variant Classification Sherloc (09022015). Collection method: clinical testing. Allele origin: germline.
Comment: This sequence change replaces tryptophan, which is neutral and slightly polar, with cysteine, which is neutral and slightly polar, at codon 4038 of the PRKDC protein (p.Trp4038Cys). In summary, the available evidence is currently insufficient to determine the role of this variant in disease. Therefore, it has been classified as a Variant of Uncertain Significance. Advanced modeling of protein sequence and biophysical properties (such as structural, functional, and spatial information, amino acid conservation, physicochemical variation, residue mobility, and thermodynamic stability) performed at Invitae indicates that this missense variant is expected to disrupt PRKDC protein function. ClinVar contains an entry for this variant (Variation ID: 956277). This variant has not been reported in the literature in individuals affected with PRKDC-related conditions. This variant is present in population databases (rs752484736, gnomAD no frequency).

NM_006904.7(PRKDC):c.12114G>T (p.Trp4038Cys)

Gene: PRKDC (protein kinase, DNA-activated, catalytic subunit; minus strand). Cytogenetic location: 8q11.21.
Variant type: single nucleotide variant.
Coding change: c.12114G>T on transcript NM_006904.7 (MANE Select); coding-DNA position 12114, G replaced by T.
Protein change: p.Trp4038Cys; replaces tryptophan 4038 with cysteine.
Molecular consequence: missense variant.
Genome position (GRCh38, 1-based): chr8:47,776,912, C>A on the plus strand (G>T on the coding strand, the complement: PRKDC is on the minus strand). VCF-style: chr8-47776912-C-A. GRCh37 (hg19) VCF-style: chr8-48689473-C-A.
Other names: c.12021G>T, p.Trp4007Cys (NM_001081640.2); short protein forms W4038C, W4007C.
Identifiers: ClinVar variation 956277 (VCV000956277.5), dbSNP rs752484736, ClinGen allele CA4738902.